The following is an entry in ClinVar:

ClinVar aggregate classification (germline): Uncertain significance (1 of 4 stars; one submission).

Conditions:
Gaucher disease type II (GD2). Also called: Type 2 Gaucher disease (Acute; Infantile); GAUCHER DISEASE, ACUTE NEURONOPATHIC TYPE; GD II; Acute neuronopathic Gaucher's disease. Identifiers: Orphanet 77260, MedGen C0268250, MONDO:0009266, OMIM 230900.
Gaucher disease perinatal lethal. Also called: Gaucher disease collodion type; Gaucher Disease, Perinatal-Lethal Form. Identifiers: Orphanet 85212, MedGen C1842704, MONDO:0011945, OMIM 608013.
Lewy body dementia (DLB). Also called: Lewy Body Disease. Identifiers: MedGen C0752347, MONDO:0007488, OMIM 127750.
Gaucher disease-ophthalmoplegia-cardiovascular calcification syndrome. Also called: GAUCHER DISEASE, TYPE IIIC. Identifiers: Orphanet 2072, MedGen C1856476, MONDO:0009268, OMIM 231005.
Parkinson disease, late-onset (PD). Also called: PARKINSON DISEASE, LATE-ONSET, SUSCEPTIBILITY TO; Hereditary late onset Parkinson disease; Susceptibility to Parkinson's Disease. Identifiers: Orphanet 411602, MedGen C3160718, MONDO:0008199, OMIM 168600.
Gaucher disease type III. Also called: Type 3 Gaucher disease (Subacute; Juvenile); Gaucher Disease, Type 3; GAUCHER DISEASE, CHRONIC NEURONOPATHIC TYPE; GAUCHER DISEASE, JUVENILE AND ADULT, CEREBRAL; GAUCHER DISEASE, SUBACUTE NEURONOPATHIC TYPE; GD III. Identifiers: Orphanet 355, Orphanet 77261, MedGen C0268251, MONDO:0009267, OMIM 231000.
Gaucher disease type I (GD1). Also called: Type 1 Gaucher Disease; GD 1; Gaucher's disease, type 1; ACID BETA-GLUCOSIDASE DEFICIENCY; GAUCHER DISEASE, NONCEREBRAL JUVENILE; GBA DEFICIENCY. Identifiers: Orphanet 355, Orphanet 77259, MedGen C1961835, MONDO:0009265, OMIM 230800.

Submission:

Juno Genomics, Hangzhou Juno Genomics, Inc
Classification: Uncertain significance for Gaucher disease perinatal lethal; Gaucher disease type I; Gaucher disease type II; Gaucher disease type III; Gaucher disease-ophthalmoplegia-cardiovascular calcification syndrome; Lewy body dementia; Parkinson disease, late-onset. Review status: criteria provided, single submitter. Criteria: ACMG Guidelines, 2015. Collection method: clinical testing. Allele origin: germline. Affected: yes.
Comment: Absent from controls (or at extremely low frequency if recessive) in Genome Aggregation Database, Exome Sequencing Project, 1000 Genomes Project, or Exome Aggregation Consortium.;For recessive disorders, detected in trans with a pathogenic variant.;Patient's phenotype or family history is highly specific for a disease with a single genetic etiology.

NM_000157.4(GBA1):c.83T>C (p.Leu28Ser)

Gene: GBA1 (glucosylceramidase beta 1; minus strand). Cytogenetic location: 1q22.
Variant type: single nucleotide variant.
Coding change: c.83T>C on transcript NM_000157.4 (MANE Select); coding-DNA position 83, T replaced by C.
Protein change: p.Leu28Ser; replaces leucine 28 with serine.
Molecular consequence: missense variant. On other transcripts: intron variant (1).
Genome position (GRCh38, 1-based): chr1:155,240,662, A>G on the plus strand (T>C on the coding strand, the complement: GBA1 is on the minus strand). VCF-style: chr1-155240662-A-G. GRCh37 (hg19) VCF-style: chr1-155210453-A-G.
Other names: c.83T>C, p.Leu28Ser (NM_001005741.3, NM_001005742.3, NM_001171812.2); c.-146-585T>C (NM_001171811.2); short protein forms L28S.
Identifiers: ClinVar variation 3392490 (VCV003392490.2).